The following is an entry in ClinVar:

NM_002449.5(MSX2):c.315G>C (p.Lys105Asn)

Gene: MSX2 (msh homeobox 2; plus strand). Cytogenetic location: 5q35.2.
Variant type: single nucleotide variant.
Coding change: c.315G>C on transcript NM_002449.5 (MANE Select); coding-DNA position 315, G replaced by C.
Protein change: p.Lys105Asn; replaces lysine 105 with asparagine.
Molecular consequence: missense variant.
Genome position (GRCh38, 1-based): chr5:174,724,974, G>C. VCF-style: chr5-174724974-G-C. GRCh37 (hg19) VCF-style: chr5-174151977-G-C.
Other names: c.315G>C, p.Lys105Asn (NM_001363626.2); short protein forms K105N.
Identifiers: ClinVar variation 906444 (VCV000906444.4), dbSNP rs760574628, ClinGen allele CA3565132.

ClinVar aggregate classification (germline): Benign/Likely benign. Review status: criteria provided, single submitter (1 of 4 stars). 2 submissions from 1 submitter: Benign (1); Likely benign (1). Last evaluated 2018-01-13.

Conditions:
Parietal foramina 1 (PFM1). Also called: FORAMINA PARIETALIA PERMAGNA; PARIETAL FORAMINA, SYMMETRIC. Identifiers: Orphanet 60015, MedGen C1868599, MONDO:0008197, OMIM 168500.
Craniosynostosis 2 (CRS2). Also called: Warman-Mulliken-Hayward syndrome; Craniosynostosis Warman type; Craniosynostosis Boston type. Identifiers: Orphanet 1541, MedGen C1858160, MONDO:0011481, OMIM 604757.

Allele frequency attached by ClinVar (database versions not stated): gnomAD 0.00001; gnomAD exomes 0.00001; ExAC 0.00004.

Submissions (2):

Illumina Laboratory Services, Illumina
Classification: Benign for Craniosynostosis 2. Last evaluated: 2018-01-13. Review status: criteria provided, single submitter. Criteria: ICSL Variant Classification Criteria 13 December 2019. Collection method: clinical testing. Allele origin: germline.
Comment: This variant was observed in the ICSL laboratory as part of a predisposition screen in an ostensibly healthy population. It had not been previously curated by ICSL or reported in the Human Gene Mutation Database (HGMD: prior to June 1st, 2018), and was therefore a candidate for classification through an automated scoring system. Utilizing variant allele frequency, disease prevalence and penetrance estimates, and inheritance mode, an automated score was calculated to assess if this variant is too frequent to cause the disease. Based on the score and internal cut-off values, a variant classified as benign is not then subjected to further curation. The score for this variant resulted in a classification of benign for this disease.

Illumina Laboratory Services, Illumina
Classification: Likely benign for Parietal foramina 1. Last evaluated: 2018-01-13. Review status: criteria provided, single submitter. Criteria: ICSL Variant Classification Criteria 13 December 2019. Collection method: clinical testing. Allele origin: germline.
Comment: This variant was observed in the ICSL laboratory as part of a predisposition screen in an ostensibly healthy population. It had not been previously curated by ICSL or reported in the Human Gene Mutation Database (HGMD: prior to June 1st, 2018), and was therefore a candidate for classification through an automated scoring system. Utilizing variant allele frequency, disease prevalence and penetrance estimates, and inheritance mode, an automated score was calculated to assess if this variant is too frequent to cause the disease. Based on the score and internal cut-off values, a variant classified as likely benign is not then subjected to further curation. The score for this variant resulted in a classification of likely benign for this disease.